The following is an entry in ClinVar:

ClinVar aggregate classification (germline): Uncertain significance (1 of 4 stars; one submission).

Allele frequency attached by ClinVar (database versions not stated): gnomAD 0.00001 and 0.00002; gnomAD exomes 0.00001.
gnomAD v4.1: 13 of 1,612,994 alleles (0.00081%); highest among the groups gnomAD compares: African/African-American, 0.0027%; no homozygotes.

Submission:

Labcorp Genetics (formerly Invitae), Labcorp
Classification: Uncertain significance. Last evaluated: 2022-08-16. Review status: criteria provided, single submitter. Criteria: Invitae Variant Classification Sherloc (09022015). Collection method: clinical testing. Allele origin: germline.
Comment: In summary, the available evidence is currently insufficient to determine the role of this variant in disease. Therefore, it has been classified as a Variant of Uncertain Significance. Algorithms developed to predict the effect of missense changes on protein structure and function are either unavailable or do not agree on the potential impact of this missense change (SIFT: "Deleterious"; PolyPhen-2: "Probably Damaging"; Align-GVGD: "Class C0"). ClinVar contains an entry for this variant (Variation ID: 1382547). This variant has not been reported in the literature in individuals affected with OBSL1-related conditions. This variant is present in population databases (no rsID available, gnomAD 0.008%). This sequence change replaces glutamic acid, which is acidic and polar, with glutamine, which is neutral and polar, at codon 259 of the OBSL1 protein (p.Glu259Gln).

NM_015311.3(OBSL1):c.775G>C (p.Glu259Gln)

Gene: OBSL1 (obscurin like cytoskeletal adaptor 1; minus strand). Cytogenetic location: 2q35.
Variant type: single nucleotide variant.
Coding change: c.775G>C on transcript NM_015311.3 (MANE Select); coding-DNA position 775, G replaced by C.
Protein change: p.Glu259Gln; replaces glutamic acid 259 with glutamine.
Molecular consequence: missense variant.
Genome position (GRCh38, 1-based): chr2:219,570,458, C>G on the plus strand (G>C on the coding strand, the complement: OBSL1 is on the minus strand). VCF-style: chr2-219570458-C-G. GRCh37 (hg19) VCF-style: chr2-220435180-C-G.
Other names: c.775G>C, p.Glu259Gln (NM_001173408.2, NM_001173431.2); short protein forms E259Q.
Identifiers: ClinVar variation 1382547 (VCV001382547.8), dbSNP rs1249067295, ClinGen allele CA350763978.